The following is an entry in ClinVar:

ClinVar aggregate classification (germline): Pathogenic/Likely pathogenic. Review status: criteria provided, multiple submitters, no conflicts (2 of 4 stars). 4 submissions from 4 submitters: Pathogenic (2); Likely pathogenic (1). 1 of the submissions does not count toward it. Last evaluated 2025-10-10.

Conditions:
THRB-related disorder. Also called: THRB-related condition.
Thyroid hormone resistance, generalized, autosomal dominant (GRTHD). Also called: HYPERTHYROXINEMIA, FAMILIAL EUTHYROID, SECONDARY TO PITUITARY AND PERIPHERAL RESISTANCE TO THYROID HORMONES. Identifiers: MedGen C2937288, MONDO:0008569, OMIM 188570.

Allele frequency attached by ClinVar (database versions not stated): gnomAD exomes below 0.00001; gnomAD 0.00001.
gnomAD v4.1: 1 of 1,613,846 alleles (0.000062%); highest among the groups gnomAD compares: Non-Finnish European, 0.000085%; no homozygotes.

Submissions (4):

Clinical Genetics Laboratory, Skane University Hospital Lund
Classification: Likely pathogenic for Thyroid hormone resistance, generalized, autosomal dominant. Last evaluated: 2025-10-10. Review status: criteria provided, single submitter. Criteria: ACMG Guidelines, 2015. Collection method: clinical testing. Allele origin: germline. Affected: yes.
Comment: ACMG criteria used: PS4_Moderate, PM2, PP1_Moderate, PP3, PP4.

Quest Diagnostics Nichols Institute San Juan Capistrano
Classification: Pathogenic. Last evaluated: 2025-02-11. Review status: criteria provided, single submitter. Criteria: Quest Diagnostics criteria. Collection method: clinical testing. Allele origin: unknown.
Comment: The THRB c.1148G>A (p.Arg383His) variant has been reported in the published literature in individuals with Resistance to thyroid hormone (RTH) (PMID: 37602950 (2023), 36843601 (2023), 35748411 (2022), 34727089 (2021), 20237409 (2010), 9605924 (1998)). Assessment of experimental evidence suggests this variant results in abnormal protein function (PMID: 21622532 (2011), 9605924 (1998)). The frequency of this variant in the general population (Genome Aggregation Database) is consistent with pathogenicity. Analysis of this variant using bioinformatics tools for the prediction of the effect of amino acid changes on protein structure and function yielded predictions that this variant is damaging. Based on the available information, this variant is classified as pathogenic.

Blueprint Genetics
Classification: Pathogenic for THRB-related disorders. Last evaluated: 2019-07-31. Review status: criteria provided, single submitter. Criteria: ACMG Guidelines, 2015. Collection method: clinical testing. Allele origin: germline. Affected: yes. Observed: 1 variant allele.

OMIM
Classification: Pathogenic for THYROID HORMONE RESISTANCE, GENERALIZED, AUTOSOMAL DOMINANT. Last evaluated: 1999-09-01. Review status: no assertion criteria provided. Collection method: literature only. Allele origin: germline. Not counted in ClinVar's aggregate classification.

Literature cited by the submitters: PubMed 9605924 (cited by Quest Diagnostics Nichols Institute San Juan Capistrano and OMIM); PubMed 35748411 (cited by Quest Diagnostics Nichols Institute San Juan Capistrano); PubMed 21622532 (cited by Quest Diagnostics Nichols Institute San Juan Capistrano); PubMed 37602950 (cited by Quest Diagnostics Nichols Institute San Juan Capistrano); PubMed 30976996 (cited by Quest Diagnostics Nichols Institute San Juan Capistrano); PubMed 34727089 (cited by Quest Diagnostics Nichols Institute San Juan Capistrano); PubMed 20237409 (cited by Quest Diagnostics Nichols Institute San Juan Capistrano); PubMed 33126322 (cited by Quest Diagnostics Nichols Institute San Juan Capistrano); PubMed 36843601 (cited by Quest Diagnostics Nichols Institute San Juan Capistrano); PubMed 10487671 (cited by OMIM).

NM_001354712.2(THRB):c.1148G>A (p.Arg383His)

Gene: THRB (thyroid hormone receptor beta; minus strand). Cytogenetic location: 3p24.2.
Variant type: single nucleotide variant.
Coding change: c.1148G>A on transcript NM_001354712.2 (MANE Select); coding-DNA position 1148, G replaced by A.
Protein change: p.Arg383His; replaces arginine 383 with histidine.
Molecular consequence: missense variant.
Genome position (GRCh38, 1-based): chr3:24,123,122, C>T on the plus strand (G>A on the coding strand, the complement: THRB is on the minus strand). VCF-style: chr3-24123122-C-T. GRCh37 (hg19) VCF-style: chr3-24164613-C-T.
Other names: c.1148G>A, p.Arg383His (NM_000461.5, NM_001128176.3, NM_001128177.2 and 6 more transcripts); c.1055G>A, p.Arg352His (NM_001354714.2, NM_001354715.2); c.1148G>A (NM_000461.4); short protein forms R383H, R352H.
Identifiers: ClinVar variation 12568 (VCV000012568.5), dbSNP rs121918708, ClinGen allele CA122513.
Genomic context (GRCh38, chr3:24,123,122, plus strand): 5'-AAGGCCAGCAGGAAACTATCTTGGTACTTTTCTATTCTCTCAACACAGGCAAGCCCCGGG[C>T]GATCTGCGGGGAAGAGAGAAGATGGACATTGATTCAGAGATGGAAGGGGGAAGGCTTGCT-3'
Protein context (NP_001341641.1, residues 373-393): LQAVLLMSSD[Arg383His]PGLACVERIE